The following is an entry in ClinVar:

ClinVar aggregate classification (germline): Likely benign (1 of 4 stars; one submission).

Allele frequency attached by ClinVar (database versions not stated): ExAC 0.00003; gnomAD 0.00008; gnomAD exomes 0.00008; TOPMed 0.00011; ESP Exome Variant Server 0.00023.
gnomAD v4.1: 130 of 1,611,120 alleles (0.0081%); highest among the groups gnomAD compares: Middle Eastern, 0.033%; no homozygotes.

Submission:

CeGaT Center for Human Genetics Tuebingen
Classification: Likely benign. Last evaluated: 2022-03-01. Review status: criteria provided, single submitter. Criteria: CeGaT Center For Human Genetics Tuebingen Variant Classification Criteria Version 2. Collection method: clinical testing. Allele origin: germline. Affected: yes. Observed: 1 variant allele.
Comment: NELFA: BP4, BP7

NM_005663.5(NELFA):c.576C>T (p.Ser192=)

Gene: NELFA (negative elongation factor complex member A; minus strand). Cytogenetic location: 4p16.3.
Variant type: single nucleotide variant.
Coding change: c.576C>T on transcript NM_005663.5 (MANE Select); coding-DNA position 576, C replaced by T.
Protein change: p.Ser192=; no amino-acid change (serine 192 retained).
Molecular consequence: synonymous variant.
Genome position (GRCh38, 1-based): chr4:1,987,976, G>A on the plus strand (C>T on the coding strand, the complement: NELFA is on the minus strand). VCF-style: chr4-1987976-G-A. GRCh37 (hg19) VCF-style: chr4-1989703-G-A.
Identifiers: ClinVar variation 2654586 (VCV002654586.24), dbSNP rs141487430, ClinGen allele CA2813473.